The following is an entry in ClinVar:

NM_152424.4(AMER1):c.50C>T (p.Ser17Phe)

Gene: AMER1 (APC membrane recruitment protein 1; minus strand). Cytogenetic location: Xq11.2.
Variant type: single nucleotide variant.
Coding change: c.50C>T on transcript NM_152424.4 (MANE Select); coding-DNA position 50, C replaced by T.
Protein change: p.Ser17Phe; replaces serine 17 with phenylalanine.
Molecular consequence: missense variant.
Genome position (GRCh38, 1-based): chrX:64,193,237, G>A on the plus strand (C>T on the coding strand, the complement: AMER1 is on the minus strand). VCF-style: chrX-64193237-G-A. GRCh37 (hg19) VCF-style: chrX-63413117-G-A.
Other names: short protein forms S17F.
Identifiers: ClinVar variation 3673596 (VCV003673596.2).

ClinVar aggregate classification (germline): Uncertain significance (1 of 4 stars; one submission).

gnomAD v4.1: 2 of 1,211,936 alleles (0.00017%); highest among the groups gnomAD compares: Non-Finnish European, 0.00022%; no homozygotes.

Submission:

Labcorp Genetics (formerly Invitae), Labcorp
Classification: Uncertain significance. Last evaluated: 2024-04-25. Review status: criteria provided, single submitter. Criteria: Invitae Variant Classification Sherloc (09022015). Collection method: clinical testing. Allele origin: germline.
Comment: This sequence change replaces serine, which is neutral and polar, with phenylalanine, which is neutral and non-polar, at codon 17 of the AMER1 protein (p.Ser17Phe). This variant is not present in population databases (gnomAD no frequency). This variant has not been reported in the literature in individuals affected with AMER1-related conditions. Algorithms developed to predict the effect of missense changes on protein structure and function output the following: SIFT: "Not Available"; PolyPhen-2: "Benign"; Align-GVGD: "Not Available". The phenylalanine amino acid residue is found in multiple mammalian species, which suggests that this missense change does not adversely affect protein function. In summary, the available evidence is currently insufficient to determine the role of this variant in disease. Therefore, it has been classified as a Variant of Uncertain Significance.